The following is an entry in ClinVar:

NM_003611.3(OFD1):c.503A>G (p.Asn168Ser)

Gene: OFD1 (OFD1 centriole and centriolar satellite protein; plus strand). Cytogenetic location: Xp22.2.
Variant type: single nucleotide variant.
Coding change: c.503A>G on transcript NM_003611.3 (MANE Select); coding-DNA position 503, A replaced by G.
Protein change: p.Asn168Ser; replaces asparagine 168 with serine.
Molecular consequence: missense variant.
Genome position (GRCh38, 1-based): chrX:13,744,505, A>G. VCF-style: chrX-13744505-A-G. GRCh37 (hg19) VCF-style: chrX-13762624-A-G.
Other names: c.503A>G, p.Asn168Ser (NM_001330209.2); c.83A>G, p.Asn28Ser (NM_001330210.2); short protein forms N168S, N28S.
Identifiers: ClinVar variation 2420672 (VCV002420672.16), dbSNP rs780064168, ClinGen allele CA10351623.

ClinVar aggregate classification (germline): Conflicting classifications of pathogenicity. Review status: criteria provided, conflicting classifications (1 of 4 stars). 2 submissions from 2 submitters: Uncertain significance (1); Likely benign (1). Last evaluated 2025-12-14.

Conditions:
Orofaciodigital syndrome I (OFD1). Also called: Oral-Facial-Digital Syndrome Type I; OFDS I; Papillon-Leage and Psaume Syndrome. Identifiers: Orphanet 2750, MedGen C1510460, MONDO:0010702, OMIM 311200.
Joubert syndrome. Also called: JOUBERT-BOLTSHAUSER SYNDROME; Familial aplasia of the vermis. Identifiers: Orphanet 475, MedGen C5979921, MONDO:0018772.

Allele frequency attached by ClinVar (database versions not stated): ExAC 0.00001; TOPMed 0.00002; gnomAD 0.00003.

Submissions (2):

Labcorp Genetics (formerly Invitae), Labcorp
Classification: Uncertain significance for Orofaciodigital syndrome I; Joubert syndrome. Last evaluated: 2025-12-14. Review status: criteria provided, single submitter. Criteria: Invitae Variant Classification Sherloc (09022015). Collection method: clinical testing. Allele origin: germline.
Comment: This sequence change replaces asparagine, which is neutral and polar, with serine, which is neutral and polar, at codon 168 of the OFD1 protein (p.Asn168Ser). This variant is present in population databases (rs780064168, gnomAD 0.003%). This variant has not been reported in the literature in individuals affected with OFD1-related conditions. ClinVar contains an entry for this variant (Variation ID: 2420672). Invitae Evidence Modeling of protein sequence and biophysical properties (such as structural, functional, and spatial information, amino acid conservation, physicochemical variation, residue mobility, and thermodynamic stability) indicates that this missense variant is not expected to disrupt OFD1 protein function with a negative predictive value of 80%. In summary, the available evidence is currently insufficient to determine the role of this variant in disease. Therefore, it has been classified as a Variant of Uncertain Significance.

CeGaT Center for Human Genetics Tuebingen
Classification: Likely benign. Last evaluated: 2025-07-01. Review status: criteria provided, single submitter. Criteria: CeGaT Center For Human Genetics Tuebingen Variant Classification Criteria Version 2. Collection method: clinical testing. Allele origin: germline. Affected: yes. Observed: 1 variant allele.
Comment: OFD1: BP4